The following is an entry in ClinVar:

ClinVar aggregate classification (germline): Uncertain significance (1 of 4 stars; one submission).

Conditions:
Klippel-Feil syndrome 1, autosomal dominant (KFS1). Also called: CERVICAL VERTEBRAL FUSION, AUTOSOMAL DOMINANT. Identifiers: Orphanet 2345, MedGen C1861689, MONDO:0007306, OMIM 118100.
Isolated microphthalmia 4. Identifiers: Orphanet 2542, MedGen C2751307, MONDO:0013130, OMIM 613094.
Microphthalmia, isolated, with coloboma 6 (MCOPCB6). Also called: Microphthalmia with coloboma 6, digenic; Microphthalmia with coloboma 6; MICROPHTHALMIA/COLOBOMA 6. Identifiers: Orphanet 98938, MedGen C3150968, MONDO:0013376, OMIM 613703.
Leber congenital amaurosis 17 (LCA17). Identifiers: Orphanet 65, MedGen C3715164, MONDO:0014145, OMIM 615360.

Submission:

Labcorp Genetics (formerly Invitae), Labcorp
Classification: Uncertain significance for Isolated microphthalmia 4; Leber congenital amaurosis 17; Klippel-Feil syndrome 1, autosomal dominant; Microphthalmia, isolated, with coloboma 6. Last evaluated: 2025-03-20. Review status: criteria provided, single submitter. Criteria: Invitae Variant Classification Sherloc (09022015). Collection method: clinical testing. Allele origin: germline.
Comment: This sequence change replaces glutamine, which is neutral and polar, with arginine, which is basic and polar, at codon 187 of the GDF6 protein (p.Gln187Arg). This variant is not present in population databases (gnomAD no frequency). This variant has not been reported in the literature in individuals affected with GDF6-related conditions. Invitae Evidence Modeling of protein sequence and biophysical properties (such as structural, functional, and spatial information, amino acid conservation, physicochemical variation, residue mobility, and thermodynamic stability) indicates that this missense variant is not expected to disrupt GDF6 protein function with a negative predictive value of 80%. In summary, the available evidence is currently insufficient to determine the role of this variant in disease. Therefore, it has been classified as a Variant of Uncertain Significance.

NM_001001557.4(GDF6):c.560A>G (p.Gln187Arg)

Gene: GDF6 (growth differentiation factor 6; minus strand). Cytogenetic location: 8q22.1.
Variant type: single nucleotide variant.
Coding change: c.560A>G on transcript NM_001001557.4 (MANE Select); coding-DNA position 560, A replaced by G.
Protein change: p.Gln187Arg; replaces glutamine 187 with arginine.
Molecular consequence: missense variant.
Genome position (GRCh38, 1-based): chr8:96,145,371, T>C on the plus strand (A>G on the coding strand, the complement: GDF6 is on the minus strand). VCF-style: chr8-96145371-T-C. GRCh37 (hg19) VCF-style: chr8-97157599-T-C.
Other names: short protein forms Q187R.
Identifiers: ClinVar variation 4782643 (VCV004782643.1).
Genomic context (GRCh38, chr8:96,145,371, plus strand): 5'-GCCCCCTGCGGGTCCAGGGTCCGCGCGTCCAGCAGTAGGGGCGAAAGGCAAGGGAAGAGC[T>C]GCACGTGGAGCGGCCCGGCTGGTGGCCCCCAGGGCGCTGAGGGCGCCTGGCGAAAGAGCC-3'
Protein context (NP_001001557.1, residues 177-197): WGPPAGPLHV[Gln187Arg]LFPCLSPLLL